The following is an entry in ClinVar:

NM_000138.5(FBN1):c.827G>T (p.Gly276Val)

Gene: FBN1 (fibrillin 1; minus strand). Cytogenetic location: 15q21.1.
Variant type: single nucleotide variant.
Coding change: c.827G>T on transcript NM_000138.5 (MANE Select); coding-DNA position 827, G replaced by T.
Protein change: p.Gly276Val; replaces glycine 276 with valine.
Molecular consequence: missense variant.
Genome position (GRCh38, 1-based): chr15:48,534,115, C>A on the plus strand (G>T on the coding strand, the complement: FBN1 is on the minus strand). VCF-style: chr15-48534115-C-A. GRCh37 (hg19) VCF-style: chr15-48826312-C-A.
Other names: short protein forms G276V.
Identifiers: ClinVar variation 926652 (VCV000926652.11), dbSNP rs534859193, ClinGen allele CA392352412.

ClinVar aggregate classification (germline): Uncertain significance. Review status: criteria provided, multiple submitters, no conflicts (2 of 4 stars). 5 submissions from 5 submitters: Uncertain significance (5). Last evaluated 2026-04-01.

Conditions:
Familial thoracic aortic aneurysm and aortic dissection (TAAD). Also called: Thoracic aortic aneurysms and dissections. Identifiers: Orphanet 91387, MedGen C4707243, MONDO:0019625.
Marfan syndrome (MFS). Also called: Marfan syndrome type 1; Marfan's syndrome; FBN1-Related Marfan Syndrome; MARFAN SYNDROME, TYPE I; Marfan syndrome, classic. Identifiers: Orphanet 284963, Orphanet 558, MedGen C0024796, MONDO:0007947, OMIM 154700.

Allele frequency attached by ClinVar (database versions not stated): gnomAD 0.00001; TOPMed 0.00001.
gnomAD v4.1: 7 of 1,613,412 alleles (0.00043%); highest among the groups gnomAD compares: Non-Finnish European, 0.00059%; no homozygotes.

Submissions (5):

CeGaT Center for Human Genetics Tuebingen
Classification: Uncertain significance. Last evaluated: 2026-04-01. Review status: criteria provided, single submitter. Criteria: CeGaT Center For Human Genetics Tuebingen Variant Classification Criteria Version 2. Collection method: clinical testing. Allele origin: germline. Affected: yes. Observed: 1 variant allele.
Comment: FBN1: PM2:Supporting, PP3

Ambry Genetics
Classification: Uncertain significance for Familial thoracic aortic aneurysm and aortic dissection. Last evaluated: 2026-01-05. Review status: criteria provided, single submitter. Criteria: Ambry Variant Classification Scheme 2023. Collection method: clinical testing. Allele origin: germline.
Comment: The p.G276V variant (also known as c.827G>T), located in coding exon 7 of the FBN1 gene, results from a G to T substitution at nucleotide position 827. The glycine at codon 276 is replaced by valine, an amino acid with dissimilar properties. This amino acid position is highly conserved in available vertebrate species. In addition, this alteration is predicted to be deleterious by in silico analysis. Based on the available evidence, the clinical significance of this variant remains unclear.

Color Diagnostics, LLC DBA Color Health
Classification: Uncertain significance for Familial thoracic aortic aneurysm and aortic dissection. Last evaluated: 2025-07-11. Review status: criteria provided, single submitter. Criteria: ACMG Guidelines, 2015. Collection method: clinical testing. Allele origin: germline.
Comment: This missense variant replaces glycine with valine at codon 276 of the FBN1 protein. Computational prediction suggests that this variant may have a deleterious impact on protein structure and function. To our knowledge, functional studies have not been reported for this variant. This variant has not been reported in individuals affected with FBN1-related disorders in the literature. This variant has been identified in 1/251468 chromosomes in the general population by the Genome Aggregation Database (gnomAD). The available evidence is insufficient to determine the role of this variant in disease conclusively. Therefore, this variant is classified as a Variant of Uncertain Significance.

GeneDx
Classification: Uncertain significance. Last evaluated: 2025-01-05. Review status: criteria provided, single submitter. Criteria: GeneDx Variant Classification Process June 2021. Collection method: clinical testing. Allele origin: germline. Affected: yes.
Comment: Has not been previously published as pathogenic or benign to our knowledge; Not observed at significant frequency in large population cohorts (gnomAD); In silico analysis supports that this missense variant has a deleterious effect on protein structure/function; Does not affect a cysteine or calcium-binding residue within an EGF-like domain or a TGF-binding protein domain of the FBN1 gene; cysteine substitutions in the EGF-like domains represent the majority of pathogenic missense changes associated with FBN1-related disorders (PMID: 12938084); This variant is associated with the following publications: (PMID: 12938084)

All of Us Research Program, National Institutes of Health
Classification: Uncertain significance for Marfan syndrome. Last evaluated: 2023-11-30. Review status: criteria provided, single submitter. Criteria: ACMG Guidelines, 2015. Collection method: clinical testing. Allele origin: germline. Inheritance: Autosomal dominant inheritance. Observed: 4 variant alleles, 4 heterozygotes.
Comment: This missense variant replaces glycine with valine at codon 276 of the FBN1 protein. Computational prediction suggests that this variant may have deleterious impact on protein structure and function (internally defined REVEL score threshold >= 0.7, PMID: 27666373). Splice site prediction tools suggest that this variant may not impact RNA splicing. To our knowledge, functional studies have not been performed for this variant. This variant has not been reported in individuals affected with cardiovascular disorders in the literature. This variant has been identified in 1/251468 chromosomes in the general population by the Genome Aggregation Database (gnomAD). The available evidence is insufficient to determine the role of this variant in disease conclusively. Therefore, this variant is classified as a Variant of Uncertain Significance.

This study involves interpretation of variants in research participants for the purpose of population health screening. Participant phenotype was not available at the time of variant classification. Additional details can be found in publication PMID: 35346344, PMCID: PMC8962531